The following is an entry in ClinVar:

ClinVar aggregate classification (germline): Uncertain significance. Review status: criteria provided, multiple submitters, no conflicts (2 of 4 stars). 2 submissions from 2 submitters: Uncertain significance (2). Last evaluated 2025-12-19.

Conditions:
Hereditary cancer-predisposing syndrome. Also called: Neoplastic Syndromes, Hereditary; Hereditary neoplastic syndrome; Tumor predisposition; Hereditary Cancer Syndrome. Identifiers: Orphanet 140162, MedGen C0027672, MeSH D009386, MONDO:0015356.

Submissions (2):

Ambry Genetics
Classification: Uncertain significance for Hereditary cancer-predisposing syndrome. Last evaluated: 2025-12-19. Review status: criteria provided, single submitter. Criteria: Ambry Variant Classification Scheme 2023. Collection method: clinical testing. Allele origin: germline.
Comment: The p.L508F variant (also known as c.1524G>C), located in coding exon 11 of the APC gene, results from a G to C substitution at nucleotide position 1524. The leucine at codon 508 is replaced by phenylalanine, an amino acid with highly similar properties. This amino acid position is highly conserved in available vertebrate species. In addition, in silico predictors for this gene do not accurately predict pathogenicity. Missense alterations in APC are not a common cause of disease (Spier I et al. Genet Med. 2024 Feb;26(2):100992). Based on the available evidence, the clinical significance of this variant remains unclear.

Color Diagnostics, LLC DBA Color Health
Classification: Uncertain significance for Hereditary cancer-predisposing syndrome. Last evaluated: 2019-01-15. Review status: criteria provided, single submitter. Criteria: ACMG Guidelines, 2015. Collection method: clinical testing. Allele origin: germline.

NM_000038.6(APC):c.1524G>C (p.Leu508Phe)

Gene: APC (APC regulator of Wnt signaling pathway; plus strand). Cytogenetic location: 5q22.2.
Variant type: single nucleotide variant.
Coding change: c.1524G>C on transcript NM_000038.6 (MANE Select); coding-DNA position 1524, G replaced by C.
Protein change: p.Leu508Phe; replaces leucine 508 with phenylalanine.
Molecular consequence: missense variant.
Genome position (GRCh38, 1-based): chr5:112,827,223, G>C. VCF-style: chr5-112827223-G-C. GRCh37 (hg19) VCF-style: chr5-112162920-G-C.
Other names: c.1524G>C, p.Leu508Phe (NM_001127510.3, NM_001354895.2); c.1470G>C, p.Leu490Phe (NM_001127511.3); c.1578G>C, p.Leu526Phe (NM_001354896.2); c.1554G>C, p.Leu518Phe (NM_001354897.2); c.1449G>C, p.Leu483Phe (NM_001354898.2); c.1440G>C, p.Leu480Phe (NM_001354899.2); c.1401G>C, p.Leu467Phe (NM_001354900.2); c.1347G>C, p.Leu449Phe (NM_001354901.2); and 5 more; short protein forms L490F, L508F, L407F, L348F, L449F, L526F, L225F, L382F.
Identifiers: ClinVar variation 628824 (VCV000628824.5), dbSNP rs1561554327, ClinGen allele CA16024638.